The following is an entry in ClinVar:

ClinVar aggregate classification (germline): Uncertain significance. Review status: criteria provided, multiple submitters, no conflicts (2 of 4 stars). 2 submissions from 2 submitters: Uncertain significance (2). Last evaluated 2024-01-25.

Conditions:
Episodic kinesigenic dyskinesia (EKD). Also called: Paroxysmal kinesigenic dyskinesia. Identifiers: Orphanet 98809, MedGen C1868682, MONDO:0044202.

Allele frequency attached by ClinVar (database versions not stated): gnomAD exomes below 0.00001; gnomAD 0.00001.

Submissions (2):

GeneDx
Classification: Uncertain significance. Last evaluated: 2024-01-25. Review status: criteria provided, single submitter. Criteria: GeneDx Variant Classification Process June 2021. Collection method: clinical testing. Allele origin: germline. Affected: yes.
Comment: Not observed at significant frequency in large population cohorts (gnomAD); In silico analysis supports that this missense variant has a deleterious effect on protein structure/function; Has not been previously published as pathogenic or benign to our knowledge

Labcorp Genetics (formerly Invitae), Labcorp
Classification: Uncertain significance for Episodic kinesigenic dyskinesia. Last evaluated: 2022-05-31. Review status: criteria provided, single submitter. Criteria: Invitae Variant Classification Sherloc (09022015). Collection method: clinical testing. Allele origin: germline.
Comment: This sequence change replaces glutamic acid, which is acidic and polar, with lysine, which is basic and polar, at codon 15 of the PRRT2 protein (p.Glu15Lys). This variant is not present in population databases (gnomAD no frequency). This variant has not been reported in the literature in individuals affected with PRRT2-related conditions. Algorithms developed to predict the effect of missense changes on protein structure and function (SIFT, PolyPhen-2, Align-GVGD) all suggest that this variant is likely to be tolerated. In summary, the available evidence is currently insufficient to determine the role of this variant in disease. Therefore, it has been classified as a Variant of Uncertain Significance.

NM_145239.3(PRRT2):c.43G>A (p.Glu15Lys)

Genes: MVP-DT (MVP divergent transcript; minus strand), PRRT2 (proline rich transmembrane protein 2; plus strand). Cytogenetic location: 16p11.2.
Variant type: single nucleotide variant.
Coding change: c.43G>A on transcript NM_145239.3 (MANE Select); coding-DNA position 43, G replaced by A.
Protein change: p.Glu15Lys; replaces glutamic acid 15 with lysine.
Molecular consequence: missense variant.
Genome position (GRCh38, 1-based): chr16:29,813,097, G>A. VCF-style: chr16-29813097-G-A. GRCh37 (hg19) VCF-style: chr16-29824418-G-A.
Other names: c.43G>A (NM_145239.2); c.43G>A, p.Glu15Lys (NM_001256442.2, NM_001256443.2); short protein forms E15K.
Identifiers: ClinVar variation 1946018 (VCV001946018.6), dbSNP rs1900058315, ClinGen allele CA395477050.